The following is an entry in ClinVar:

ClinVar aggregate classification (germline): Uncertain significance (1 of 4 stars; one submission).

Allele frequency attached by ClinVar (database versions not stated): TOPMed below 0.00001.
gnomAD v4.1: 1 of 1,551,342 alleles (0.000064%); highest among the groups gnomAD compares: South Asian, 0.0012%; no homozygotes.

Submission:

Laboratorio de Genetica e Diagnostico Molecular, Hospital Israelita Albert Einstein
Classification: Uncertain significance. Last evaluated: 2021-11-29. Review status: criteria provided, single submitter. Criteria: ACMG Guidelines, 2015. Collection method: clinical testing. Allele origin: germline. Affected: yes.
Comment: ACMG classification criteria: PM2, BP4

NM_001162501.2(TNRC6B):c.3524A>G (p.Asn1175Ser)

Gene: TNRC6B (trinucleotide repeat containing adaptor 6B; plus strand). Cytogenetic location: 22q13.1.
Variant type: single nucleotide variant.
Coding change: c.3524A>G on transcript NM_001162501.2 (MANE Select); coding-DNA position 3524, A replaced by G.
Protein change: p.Asn1175Ser; replaces asparagine 1175 with serine.
Molecular consequence: missense variant. On other transcripts: intron variant (2).
Genome position (GRCh38, 1-based): chr22:40,281,231, A>G. VCF-style: chr22-40281231-A-G. GRCh37 (hg19) VCF-style: chr22-40677235-A-G.
Other names: c.1170+1088A>G (NM_001024843.2); c.3252+1088A>G (NM_015088.3); short protein forms N1175S.
Identifiers: ClinVar variation 1690511 (VCV001690511.2), dbSNP rs1270127227, ClinGen allele CA411652576.
Genomic context (GRCh38, chr22:40,281,231, plus strand): 5'-GCTCTCCCTTCTCCCCTTCTCCCAGCTACAAGCTGTCTCCCTCTGGTTCCACACTACCCA[A>G]CGTCAGCCTTGGAGCAATCGGCACAGGGCTCAACCCCCAAAACTTCGCTGCTAGACAAGT-3'
Protein context (NP_001155973.1, residues 1165-1185): KLSPSGSTLP[Asn1175Ser]VSLGAIGTGL